The following is an entry in ClinVar:

NM_000169.3(GLA):c.270C>A (p.Cys90Ter)

Genes: GLA (galactosidase alpha; minus strand), RPL36A-HNRNPH2 (RPL36A-HNRNPH2 readthrough; plus strand). Cytogenetic location: Xq22.1.
Variant type: single nucleotide variant.
Coding change: c.270C>A on transcript NM_000169.3 (MANE Select); coding-DNA position 270, C replaced by A.
Protein change: p.Cys90Ter; replaces cysteine 90 with a stop codon.
Molecular consequence: nonsense. On other transcripts: non-coding transcript variant (3), intron variant (2).
Genome position (GRCh38, 1-based): chrX:101,403,910, G>T on the plus strand (C>A on the coding strand, the complement: GLA is on the minus strand). VCF-style: chrX-101403910-G-T. GRCh37 (hg19) VCF-style: chrX-100658898-G-T.
Other names: c.393C>A, p.Cys131Ter (NM_001406747.1, NM_001406749.1); c.270C>A, p.Cys90Ter (NM_001406748.1); c.301-8026G>T (NM_001199973.2); c.178-8026G>T (NM_001199974.2); short protein forms C131*, C90*.
Identifiers: ClinVar variation 4087148 (VCV004087148.2).

ClinVar aggregate classification (germline): Pathogenic (1 of 4 stars; one submission).

Conditions:
Fabry disease. Also called: ALPHA-GALACTOSIDASE A DEFICIENCY; ANDERSON-FABRY DISEASE; CERAMIDE TRIHEXOSIDASE DEFICIENCY; GLA DEFICIENCY; HEREDITARY DYSTOPIC LIPIDOSIS; Angiokeratoma corporis diffusum. Identifiers: Orphanet 324, MedGen C0002986, MONDO:0010526, OMIM 301500, HP:0001071. Disease mechanism: Fabry disease is due to inactivating mutations in the X-linked GLA gene resulting in deficiency of the enzyme Alpha Galactosidase-A., loss of function.

Submission:

Genomenon, Inc
Classification: Pathogenic for Fabry disease. Last evaluated: 2026-09-08. Review status: criteria provided, single submitter. Criteria: Genomenon Sequence Variant Interpretation Standards - Updated. Collection method: curation. Allele origin: germline. Affected: yes.
Comment: GLA p.Cys90Ter (c.270C>A) is a nonsense variant that introduces a premature stop codon at amino acid position 90 and is predicted to result in a truncated or absent protein product. This variant has been observed in at least one proband with clinical features consistent with Fabry disease (PMID:20505683). It is absent or not present at a significant frequency in gnomAD. In conclusion, we classify GLA p.Cys90Ter (c.270C>A) as a pathogenic variant.

Literature cited by the submitters: PubMed 20505683.